The following is an entry in ClinVar:

ClinVar aggregate classification (germline): Uncertain significance (1 of 4 stars; one submission).

Submission:

Ambry Genetics
Classification: Uncertain significance. Last evaluated: 2023-09-25. Review status: criteria provided, single submitter. Criteria: Ambry Variant Classification Scheme 2023. Collection method: clinical testing. Allele origin: germline.
Comment: The p.N728D variant (also known as c.2182A>G), located in coding exon 13 of the NPAT gene, results from an A to G substitution at nucleotide position 2182. The asparagine at codon 728 is replaced by aspartic acid, an amino acid with highly similar properties. This amino acid position is conserved. In addition, this alteration is predicted to be tolerated by in silico analysis. Since supporting evidence is limited at this time, the clinical significance of this alteration remains unclear.

NM_002519.3(NPAT):c.2182A>G (p.Asn728Asp)

Gene: NPAT (nuclear protein, coactivator of histone transcription; minus strand). Cytogenetic location: 11q22.3.
Variant type: single nucleotide variant.
Coding change: c.2182A>G on transcript NM_002519.3 (MANE Select); coding-DNA position 2182, A replaced by G.
Protein change: p.Asn728Asp; replaces asparagine 728 with aspartic acid.
Molecular consequence: missense variant.
Genome position (GRCh38, 1-based): chr11:108,172,802, T>C on the plus strand (A>G on the coding strand, the complement: NPAT is on the minus strand). VCF-style: chr11-108172802-T-C. GRCh37 (hg19) VCF-style: chr11-108043529-T-C.
Other names: c.2182A>G, p.Asn728Asp (NM_001321307.1); short protein forms N728D.
Identifiers: ClinVar variation 3222514 (VCV003222514.1), dbSNP rs2496718321, ClinGen allele CA382513512.